The following is an entry in ClinVar:

ClinVar aggregate classification (germline): Likely benign. Review status: criteria provided, multiple submitters, no conflicts (2 of 4 stars). 2 submissions from 2 submitters: Likely benign (2). Last evaluated 2026-04-21.

Conditions:
NDRG1-related disorder. Also called: NDRG1-related condition.
Charcot-Marie-Tooth disease type 4. Also called: Charcot-Marie-Tooth disease, type IV; Charcot-Marie-Tooth, Type 4. Identifiers: Orphanet 64749, MedGen C4082197, MONDO:0018995.

Allele frequency attached by ClinVar (database versions not stated): ExAC 0.00001; gnomAD exomes 0.00001; TOPMed 0.00001.
gnomAD v4.1: 71 of 1,614,016 alleles (0.0044%); highest among the groups gnomAD compares: Non-Finnish European, 0.006%; no homozygotes.

Submissions (2):

PreventionGenetics, part of Exact Sciences
Classification: Likely benign for NDRG1-related condition. Last evaluated: 2026-04-21. Review status: criteria provided, single submitter. Criteria: ACMG Guidelines, 2015. Collection method: clinical testing. Allele origin: germline.
Comment: This variant is classified as likely benign based on ACMG/AMP sequence variant interpretation guidelines (Richards et al. 2015 PMID: 25741868, with internal and published modifications).

Labcorp Genetics (formerly Invitae), Labcorp
Classification: Likely benign for Charcot-Marie-Tooth disease type 4. Last evaluated: 2025-05-26. Review status: criteria provided, single submitter. Criteria: Invitae Variant Classification Sherloc (09022015). Collection method: clinical testing. Allele origin: germline.

NM_006096.4(NDRG1):c.594+8G>T

Gene: NDRG1 (N-myc downstream regulated 1; minus strand). Cytogenetic location: 8q24.22.
Variant type: single nucleotide variant.
Coding change: c.594+8G>T on transcript NM_006096.4 (MANE Select); 8 bases into the intron after coding-DNA position 594, G replaced by T.
Molecular consequence: intron variant.
Genome position (GRCh38, 1-based): chr8:133,254,531, C>A on the plus strand (G>T on the coding strand, the complement: NDRG1 is on the minus strand). VCF-style: chr8-133254531-C-A. GRCh37 (hg19) VCF-style: chr8-134266774-C-A.
Other names: c.396+8G>T (NM_001258432.2, NM_001374847.1); c.351+8G>T (NM_001258433.2); c.645+8G>T (NM_001374844.1); c.594+8G>T (NM_001135242.2, NM_001374845.1, NM_001374846.1).
Identifiers: ClinVar variation 476847 (VCV000476847.12), dbSNP rs767524421, ClinGen allele CA4886682.